The following is an entry in ClinVar:

NM_000202.8(IDS):c.162T>C (p.Tyr54=)

Gene: IDS (iduronate 2-sulfatase; minus strand). Cytogenetic location: Xq28.
Variant type: single nucleotide variant.
Coding change: c.162T>C on transcript NM_000202.8 (MANE Select); coding-DNA position 162, T replaced by C.
Protein change: p.Tyr54=; no amino-acid change (tyrosine 54 retained).
Molecular consequence: synonymous variant. On other transcripts: 5 prime UTR variant (1), non-coding transcript variant (1).
Genome position (GRCh38, 1-based): chrX:149,504,235, A>G on the plus strand (T>C on the coding strand, the complement: IDS is on the minus strand). VCF-style: chrX-149504235-A-G. GRCh37 (hg19) VCF-style: chrX-148585765-A-G.
Other names: c.-65T>C (NM_001166550.4); c.162T>C, p.Tyr54= (NM_006123.5); c.162T>C (NM_000202.7).
Identifiers: ClinVar variation 709538 (VCV000709538.26), dbSNP rs141088021, ClinGen allele CA10537728.

ClinVar aggregate classification (germline): Benign/Likely benign. Review status: criteria provided, multiple submitters, no conflicts (2 of 4 stars). 4 submissions from 4 submitters: Benign (1); Likely benign (2). 1 of the submissions does not count toward it. Last evaluated 2026-09-13.

Conditions:
IDS-related disorder. Also called: IDS-related condition.
Mucopolysaccharidosis, MPS-II (MPS2). Also called: Attenuated MPS (subtype; formerly known as mild MPS II); Severe MPS II; I2S deficiency; MPS 2; Hunter Syndrome; IDURONATE 2-SULFATASE DEFICIENCY. Identifiers: Orphanet 580, Orphanet 79388, MedGen C0026705, MONDO:0010674, OMIM 309900.

Allele frequency attached by ClinVar (database versions not stated): gnomAD exomes 0.00002 and 0.00006; ExAC 0.00004; gnomAD 0.00004 and 0.00007; TOPMed 0.00008; ESP Exome Variant Server 0.00009; 1000 Genomes Project 30x 0.00021.
gnomAD v4.1: 30 of 1,206,838 alleles (0.0025%); highest among the groups gnomAD compares: East Asian, 0.042%; 1 homozygote.

Submissions (4):

PreventionGenetics, part of Exact Sciences
Classification: Likely benign for IDS-related condition. Last evaluated: 2026-09-13. Review status: criteria provided, single submitter. Criteria: ACMG Guidelines, 2015. Collection method: clinical testing. Allele origin: germline.
Comment: This variant is classified as likely benign based on ACMG/AMP sequence variant interpretation guidelines (Richards et al. 2015 PMID: 25741868, with internal and published modifications).

Labcorp Genetics (formerly Invitae), Labcorp
Classification: Benign for Mucopolysaccharidosis, MPS-II. Last evaluated: 2026-01-14. Review status: criteria provided, single submitter. Criteria: Invitae Variant Classification Sherloc (09022015). Collection method: clinical testing. Allele origin: germline.

CeGaT Center for Human Genetics Tuebingen
Classification: Likely benign. Last evaluated: 2025-01-01. Review status: criteria provided, single submitter. Criteria: CeGaT Center For Human Genetics Tuebingen Variant Classification Criteria Version 2. Collection method: clinical testing. Allele origin: germline. Affected: yes. Observed: 1 variant allele.
Comment: IDS: BP4, BP7, BS2

Natera, Inc.
Classification: Likely benign for Mucopolysaccharidosis type II. Last evaluated: 2020-09-29. Review status: no assertion criteria provided. Collection method: clinical testing. Allele origin: germline. Not counted in ClinVar's aggregate classification.